The following is an entry in ClinVar:

ClinVar aggregate classification (germline): Uncertain significance (1 of 4 stars; one submission).

Submission:

Labcorp Genetics (formerly Invitae), Labcorp
Classification: Uncertain significance. Last evaluated: 2023-01-24. Review status: criteria provided, single submitter. Criteria: Invitae Variant Classification Sherloc (09022015). Collection method: clinical testing. Allele origin: germline.
Comment: In summary, the available evidence is currently insufficient to determine the role of this variant in disease. Therefore, it has been classified as a Variant of Uncertain Significance. This variant has not been reported in the literature in individuals affected with TRIM8-related conditions. This variant is not present in population databases (gnomAD no frequency). This sequence change creates a premature translational stop signal (p.Gln116*) in the TRIM8 gene. It is expected to result in an absent or disrupted protein product. However, the current clinical and genetic evidence is not sufficient to establish whether loss-of-function variants in TRIM8 cause disease.

NM_030912.3(TRIM8):c.346C>T (p.Gln116Ter)

Gene: TRIM8 (tripartite motif containing 8; plus strand). Cytogenetic location: 10q24.32.
Variant type: single nucleotide variant.
Coding change: c.346C>T on transcript NM_030912.3 (MANE Select); coding-DNA position 346, C replaced by T.
Protein change: p.Gln116Ter; replaces glutamine 116 with a stop codon.
Molecular consequence: nonsense. On other transcripts: non-coding transcript variant (1).
Genome position (GRCh38, 1-based): chr10:102,644,963, C>T. VCF-style: chr10-102644963-C-T. GRCh37 (hg19) VCF-style: chr10-104404720-C-T.
Other names: c.346C>T, p.Gln116Ter (NM_001345950.1); short protein forms Q116*.
Identifiers: ClinVar variation 2831773 (VCV002831773.3), dbSNP rs2492888028, ClinGen allele CA377924996.